The following is an entry in ClinVar:

ClinVar aggregate classification (germline): Uncertain significance (1 of 4 stars; one submission).

gnomAD v4.1: 6 of 1,614,076 alleles (0.00037%); highest among the groups gnomAD compares: East Asian, 0.0022%; no homozygotes.

Submission:

CeGaT Center for Human Genetics Tuebingen
Classification: Uncertain significance. Last evaluated: 2025-08-01. Review status: criteria provided, single submitter. Criteria: CeGaT Center For Human Genetics Tuebingen Variant Classification Criteria Version 2. Collection method: clinical testing. Allele origin: germline. Affected: yes. Observed: 1 variant allele.
Comment: KDM5B: PM2

NM_006618.5(KDM5B):c.2402G>A (p.Arg801His)

Gene: KDM5B (lysine demethylase 5B; minus strand). Cytogenetic location: 1q32.1.
Variant type: single nucleotide variant.
Coding change: c.2402G>A on transcript NM_006618.5 (MANE Select); coding-DNA position 2402, G replaced by A.
Protein change: p.Arg801His; replaces arginine 801 with histidine.
Molecular consequence: missense variant.
Genome position (GRCh38, 1-based): chr1:202,742,727, C>T on the plus strand (G>A on the coding strand, the complement: KDM5B is on the minus strand). VCF-style: chr1-202742727-C-T. GRCh37 (hg19) VCF-style: chr1-202711855-C-T.
Other names: c.2510G>A, p.Arg837His (NM_001314042.2); c.2267G>A, p.Arg756His (NM_001347591.2); c.2387G>A, p.Arg796His (NM_001399817.1); short protein forms R756H, R796H, R801H, R837H.
Identifiers: ClinVar variation 4084435 (VCV004084435.8).